The following is an entry in ClinVar:

ClinVar aggregate classification (germline): Pathogenic (1 of 4 stars; one submission).

Allele frequency attached by ClinVar (database versions not stated): gnomAD exomes below 0.00001; TOPMed below 0.00001; ExAC 0.00001; gnomAD 0.00001; ESP Exome Variant Server 0.00008.

Submission:

Labcorp Genetics (formerly Invitae), Labcorp
Classification: Pathogenic. Last evaluated: 2022-07-05. Review status: criteria provided, single submitter. Criteria: Invitae Variant Classification Sherloc (09022015). Collection method: clinical testing. Allele origin: germline.
Comment: This sequence change creates a premature translational stop signal (p.Asn391*) in the SCP2 gene. It is expected to result in an absent or disrupted protein product. Loss-of-function variants in SCP2 are known to be pathogenic (PMID: 16685654, 26497993). This variant is present in population databases (rs756309899, gnomAD 0.002%). This variant has not been reported in the literature in individuals affected with SCP2-related conditions. For these reasons, this variant has been classified as Pathogenic.

Literature cited by the submitters: PubMed 16685654; PubMed 26497993.

NM_002979.5(SCP2):c.1170dup (p.Asn391Ter)

Gene: SCP2 (sterol carrier protein 2; plus strand). Cytogenetic location: 1p32.3.
Variant type: Duplication.
Coding change: c.1170dup on transcript NM_002979.5 (MANE Select); coding-DNA position 1170, one base duplicated (T; older notation c.1170dupT).
Protein change: p.Asn391Ter; replaces asparagine 391 with a stop codon.
Molecular consequence: nonsense. On other transcripts: 5 prime UTR variant (3).
Genome position (GRCh38, 1-based): chr1:53,014,978, T duplicated. VCF-style (leftmost placement, unchanged base first): chr1-53014977-A-AT. GRCh37 (hg19) VCF-style: chr1-53480649-A-AT.
Other names: c.-43dup (NM_001007099.3, NM_001007100.3, NM_001007250.3); c.1098dup, p.Asn367Ter (NM_001193599.2); c.1038dup, p.Asn347Ter (NM_001193600.2); c.927dup, p.Asn310Ter (NM_001193617.2); short protein forms N367*, N391*, N310*, N347*.
Identifiers: ClinVar variation 2045377 (VCV002045377.1), dbSNP rs756309899, ClinGen allele CA857342.